The following is an entry in ClinVar:

ClinVar aggregate classification (germline): Uncertain significance (1 of 4 stars; one submission).

Submission:

CeGaT Center for Human Genetics Tuebingen
Classification: Uncertain significance. Last evaluated: 2026-06-01. Review status: criteria provided, single submitter. Criteria: CeGaT Center For Human Genetics Tuebingen Variant Classification Criteria Version 2. Collection method: clinical testing. Allele origin: germline. Affected: yes. Observed: 1 variant allele.
Comment: GPR101: PM2, BP4

NM_054021.2(GPR101):c.916G>T (p.Val306Phe)

Gene: GPR101 (G protein-coupled receptor 101; minus strand). Cytogenetic location: Xq26.3.
Variant type: single nucleotide variant.
Coding change: c.916G>T on transcript NM_054021.2 (MANE Select); coding-DNA position 916, G replaced by T.
Protein change: p.Val306Phe; replaces valine 306 with phenylalanine.
Molecular consequence: missense variant.
Genome position (GRCh38, 1-based): chrX:137,030,759, C>A on the plus strand (G>T on the coding strand, the complement: GPR101 is on the minus strand). VCF-style: chrX-137030759-C-A. GRCh37 (hg19) VCF-style: chrX-136112918-C-A.
Other names: short protein forms V306F.
Identifiers: ClinVar variation 4875268 (VCV004875268.2).